The following is an entry in ClinVar:

NM_002691.4(POLD1):c.2656G>T (p.Glu886Ter)

Gene: POLD1 (DNA polymerase delta 1, catalytic subunit; plus strand). Cytogenetic location: 19q13.33.
Variant type: single nucleotide variant.
Coding change: c.2656G>T on transcript NM_002691.4 (MANE Select); coding-DNA position 2656, G replaced by T.
Protein change: p.Glu886Ter; replaces glutamic acid 886 with a stop codon.
Molecular consequence: nonsense. On other transcripts: non-coding transcript variant (1).
Genome position (GRCh38, 1-based): chr19:50,415,529, G>T. VCF-style: chr19-50415529-G-T. GRCh37 (hg19) VCF-style: chr19-50918786-G-T.
Other names: c.2734G>T, p.Glu912Ter (NM_001308632.1); c.2656G>T, p.Glu886Ter (NM_001256849.1); short protein forms E886*, E912*.
Identifiers: ClinVar variation 1794385 (VCV001794385.2), dbSNP rs2039247811, ClinGen allele CA406985563.
Genomic context (GRCh38, chr19:50,415,529, plus strand): 5'-GACGTCATCTCGGACCTGCTGTGCAACCGCATCGATATCTCCCAGCTGGTCATCACCAAG[G>T]AGCTGACCCGCGCGGCCTCCGACTATGCCGGCAAGCAGGCCCACGTGGAGCTGGCCGAGA-3'

ClinVar aggregate classification (germline): Uncertain significance (1 of 4 stars; one submission).

Conditions:
Hereditary cancer-predisposing syndrome. Also called: Tumor predisposition; Hereditary Cancer Syndrome; Neoplastic Syndromes, Hereditary; Hereditary neoplastic syndrome. Identifiers: Orphanet 140162, MedGen C0027672, MeSH D009386, MONDO:0015356.

Allele frequency attached by ClinVar (database versions not stated): gnomAD exomes below 0.00001; TOPMed below 0.00001.

Submission:

Ambry Genetics
Classification: Uncertain significance for Hereditary cancer-predisposing syndrome. Last evaluated: 2019-06-27. Review status: criteria provided, single submitter. Criteria: Ambry Variant Classification Scheme 2023. Collection method: clinical testing. Allele origin: germline.
Comment: The p.E886* variant (also known as c.2656G>T), located in coding exon 20 of the POLD1 gene, results from a G to T substitution at nucleotide position 2656. This changes the amino acid from a glutamic acid to a stop codon within coding exon 20. This alteration is expected to result in loss of function by premature protein truncation or nonsense-mediated mRNA decay. However, loss of function via haploinsufficiency in POLD1 has not been clearly established as a mechanism of disease. Since supporting evidence is limited at this time, the clinical significance of this alteration remains unclear.